The following is an entry in ClinVar:

NM_173354.5(SIK1):c.1288C>T (p.Arg430Trp)

Gene: SIK1 (salt inducible kinase 1; minus strand). Cytogenetic location: 21q22.3.
Variant type: single nucleotide variant.
Coding change: c.1288C>T on transcript NM_173354.5 (MANE Select); coding-DNA position 1288, C replaced by T.
Protein change: p.Arg430Trp; replaces arginine 430 with tryptophan.
Molecular consequence: missense variant.
Genome position (GRCh38, 1-based): chr21:43,419,195, G>A on the plus strand (C>T on the coding strand, the complement: SIK1 is on the minus strand). VCF-style: chr21-43419195-G-A. GRCh37 (hg19) VCF-style: chr21-44839075-G-A.
Other names: short protein forms R430W.
Identifiers: ClinVar variation 476080 (VCV000476080.23), dbSNP rs34164089, ClinGen allele CA321325923.

ClinVar aggregate classification (germline): Benign/Likely benign. Review status: criteria provided, multiple submitters, no conflicts (2 of 4 stars). 6 submissions from 6 submitters: Benign (4); Likely benign (2). Last evaluated 2026-07-01.

Conditions:
Inborn genetic diseases. Identifiers: MedGen C0950123, MeSH D030342.
Developmental and epileptic encephalopathy, 30 (DEE30). Also called: Epileptic encephalopathy, early infantile, 30. Identifiers: MedGen C4225360, MONDO:0014595, OMIM 616341.

Allele frequency attached by ClinVar (database versions not stated): gnomAD exomes 0.00132; ExAC 0.00309; gnomAD 0.00424; ESP Exome Variant Server 0.00517; 1000 Genomes Project 0.00539.

Submissions (6):

CeGaT Center for Human Genetics Tuebingen
Classification: Likely benign. Last evaluated: 2026-07-01. Review status: criteria provided, single submitter. Criteria: CeGaT Center For Human Genetics Tuebingen Variant Classification Criteria Version 2. Collection method: clinical testing. Allele origin: germline. Affected: yes. Observed: 2 variant alleles.
Comment: SIK1: BP4

Labcorp Genetics (formerly Invitae), Labcorp
Classification: Benign for Developmental and epileptic encephalopathy, 30. Last evaluated: 2026-02-02. Review status: criteria provided, single submitter. Criteria: Invitae Variant Classification Sherloc (09022015). Collection method: clinical testing. Allele origin: germline.

Blueprint Genetics
Classification: Likely benign. Last evaluated: 2024-10-02. Review status: criteria provided, single submitter. Criteria: ACMG Guidelines, 2015. Collection method: clinical testing. Allele origin: germline.

Athena Diagnostics
Classification: Benign. Last evaluated: 2018-10-18. Review status: criteria provided, single submitter. Criteria: Athena Diagnostics Criteria. Collection method: clinical testing. Allele origin: germline.

Ambry Genetics
Classification: Benign for Inborn genetic diseases. Last evaluated: 2016-02-25. Review status: criteria provided, single submitter. Criteria: Ambry Variant Classification Scheme 2023. Collection method: clinical testing. Allele origin: germline.

Breakthrough Genomics
Classification: Benign. Review status: criteria provided, single submitter. Criteria: ACMG Guidelines, 2015. Collection method: not provided. Allele origin: germline. Inheritance: Autosomal dominant inheritance. Affected: yes.